The following is an entry in ClinVar:

NM_014053.4(FLVCR1):c.502C>G (p.Leu168Val)

Gene: FLVCR1 (FLVCR choline and heme transporter 1; plus strand). Cytogenetic location: 1q32.3.
Variant type: single nucleotide variant.
Coding change: c.502C>G on transcript NM_014053.4 (MANE Select); coding-DNA position 502, C replaced by G.
Protein change: p.Leu168Val; replaces leucine 168 with valine.
Molecular consequence: missense variant.
Genome position (GRCh38, 1-based): chr1:212,858,954, C>G. VCF-style: chr1-212858954-C-G. GRCh37 (hg19) VCF-style: chr1-213032296-C-G.
Other names: short protein forms L168V.
Identifiers: ClinVar variation 4072241 (VCV004072241.1).
Genomic context (GRCh38, chr1:212,858,954, plus strand): 5'-TGGCTGTCCATGGTGTACATGCTGGCCTACGTGCCCCTCATCTTCCCGGCCACCTGGCTG[C>G]TGGACACCAGAGGCCTGCGGCTCACCGCCCTGCTGGGCTCCGGCCTCAACTGCCTGGGTG-3'
Protein context (NP_054772.1, residues 158-178): VPLIFPATWL[Leu168Val]DTRGLRLTAL

ClinVar aggregate classification (germline): Uncertain significance (1 of 4 stars; one submission).

Conditions:
Posterior column ataxia-retinitis pigmentosa syndrome (RETSNS). Also called: RETINOPATHY-SENSORY NEUROPATHY SYNDROME. Identifiers: Orphanet 88628, MedGen C1836916, MONDO:0012177, OMIM 609033.

gnomAD v4.1: 1 of 1,614,194 alleles (0.000062%); highest among the groups gnomAD compares: Non-Finnish European, 0.000085%; no homozygotes.

Submission:

Next Generation Genetic Polyclinic
Classification: Uncertain significance for Posterior column ataxia-retinitis pigmentosa syndrome. Last evaluated: 2025-03-05. Review status: criteria provided, single submitter. Criteria: ACMG Guidelines, 2015. Collection method: clinical testing. Allele origin: germline. Affected: yes.
Comment: Our classification of this variant is based on the ACMG guidelines. The variant is extremely rare or absent in population databases, aligning with the proband’s clinical phenotype.